The following is an entry in ClinVar:

ClinVar aggregate classification (germline): Uncertain significance (1 of 4 stars; one submission).

Conditions:
Hereditary cancer-predisposing syndrome. Also called: Neoplastic Syndromes, Hereditary; Tumor predisposition; Hereditary Cancer Syndrome; Hereditary neoplastic syndrome. Identifiers: Orphanet 140162, MedGen C0027672, MeSH D009386, MONDO:0015356.

Submission:

Ambry Genetics
Classification: Uncertain significance for Hereditary cancer-predisposing syndrome. Last evaluated: 2026-06-04. Review status: criteria provided, single submitter. Criteria: Ambry Variant Classification Scheme 2023. Collection method: clinical testing. Allele origin: germline.
Comment: The c.47_48insAA variant, located in coding exon 1 of the POLE gene, results from an insertion of two nucleotides at position 47, causing a translational frameshift with a predicted alternate stop codon (p.D16Efs*39). This alteration is expected to result in loss of function by premature protein truncation or nonsense-mediated mRNA decay. Although biallelic loss of function of POLE has been associated with autosomal recessive POLE deficiency, haploinsufficiency of POLE has not been established as a mechanism of disease for POLE-related polymerase proofreading-associated polyposis (PPAP) and POLE-related CMMRD-like syndrome. Based on the supporting evidence, this variant is expected to be causative of POLE deficiency when present along with a second pathogenic variant on the other allele; however, its clinical significance for PPAP and POLE-related CMMRD-like syndrome is unclear.

NM_006231.4(POLE):c.47_48insAA (p.Asp16fs)

Genes: POLE (DNA polymerase epsilon, catalytic subunit; minus strand), LOC130009266 (ATAC-STARR-seq lymphoblastoid silent region 5123; plus strand). Cytogenetic location: 12q24.33.
Variant type: Insertion.
Coding change: c.47_48insAA on transcript NM_006231.4 (MANE Select); coding-DNA positions 47 to 48, AA inserted.
Protein change: p.Asp16fs; shifts the reading frame from aspartic acid 16.
Molecular consequence: frameshift variant.
Genome position: GRCh38 VCF-style: chr12-132687268-A-ATT. GRCh37 (hg19) VCF-style: chr12-133263854-A-ATT.
Other names: short protein forms D16fs.
Identifiers: ClinVar variation 4862342 (VCV004862342.1).
Genomic context (GRCh38, chr12:132,687,268, plus strand): 5'-ACCCTCCGGAGGGCCGGCCCGAGAGCCTCAGGAGGGCGCCCCTCACCTGCTGGCCTCGCC[A>ATT]TCCGCGCCTGGGTCCGCGCGCCGCCGCCCGCCGCTCCTCAGAGACATGGAGCCGTTGGCT-3'